The following is an entry in ClinVar:

ClinVar aggregate classification (germline): Uncertain significance (1 of 4 stars; one submission).

Conditions:
Primary ciliary dyskinesia. Also called: Ciliary dyskinesia. Identifiers: Orphanet 244, MedGen C0008780, MONDO:0016575, HP:0012265.

gnomAD v4.1: 1 of 1,253,640 alleles (0.00008%); highest among the groups gnomAD compares: Admixed American, 0.0041%; no homozygotes.

Submission:

Ambry Genetics
Classification: Uncertain significance for Primary ciliary dyskinesia. Last evaluated: 2026-01-24. Review status: criteria provided, single submitter. Criteria: Ambry Variant Classification Scheme 2023. Collection method: clinical testing. Allele origin: germline.
Comment: The p.H207Y variant (also known as c.619C>T), located in coding exon 5 of the DNAAF3 gene, results from a C to T substitution at nucleotide position 619. The histidine at codon 207 is replaced by tyrosine, an amino acid with similar properties. This amino acid position is conserved. In addition, this alteration is predicted to be tolerated by in silico analysis. Based on the available evidence, the clinical significance of this variant remains unclear.

NM_001256715.2(DNAAF3):c.415C>T (p.His139Tyr)

Genes: DNAAF3 (dynein axonemal assembly factor 3; minus strand), DNAAF3-AS1 (DNAAF3 antisense RNA 1; plus strand). Cytogenetic location: 19q13.42.
Variant type: single nucleotide variant.
Coding change: c.415C>T on transcript NM_001256715.2 (MANE Select); coding-DNA position 415, C replaced by T.
Protein change: p.His139Tyr; replaces histidine 139 with tyrosine.
Molecular consequence: missense variant.
Genome position (GRCh38, 1-based): chr19:55,162,198, G>A on the plus strand (C>T on the coding strand, the complement: DNAAF3 is on the minus strand). VCF-style: chr19-55162198-G-A. GRCh37 (hg19) VCF-style: chr19-55673566-G-A.
Other names: c.253C>T, p.His85Tyr (NM_001256716.2); c.556C>T, p.His186Tyr (NM_178837.4); c.619C>T, p.His207Tyr (NM_001256714.1); short protein forms H186Y, H85Y, H139Y, H207Y.
Identifiers: ClinVar variation 4825635 (VCV004825635.1).